The following is an entry in ClinVar:

ClinVar aggregate classification (germline): Pathogenic (1 of 4 stars; one submission).

Conditions:
EGFR-related lung cancer (EGFR). Identifiers: MedGen CN130014.

Submission:

Labcorp Genetics (formerly Invitae), Labcorp
Classification: Pathogenic for EGFR-related lung cancer. Last evaluated: 2024-02-09. Review status: criteria provided, single submitter. Criteria: Invitae Variant Classification Sherloc (09022015). Collection method: clinical testing. Allele origin: germline.
Comment: This sequence change creates a premature translational stop signal (p.Val461Glyfs*2) in the EGFR gene. It is expected to result in an absent or disrupted protein product. Loss-of-function variants in EGFR are known to be pathogenic (PMID: 7630400, 28726809, 29899996). This variant is not present in population databases (gnomAD no frequency). This variant has not been reported in the literature in individuals affected with EGFR-related conditions. For these reasons, this variant has been classified as Pathogenic.

Literature cited by the submitters: PubMed 7630400; PubMed 28726809; PubMed 29899996.

NM_005228.5(EGFR):c.1382del (p.Val461fs)

Gene: EGFR (epidermal growth factor receptor; plus strand). Cytogenetic location: 7p11.2.
Variant type: Deletion.
Coding change: c.1382del on transcript NM_005228.5 (MANE Select); coding-DNA position 1382, one base deleted (T; older notation c.1382delT).
Protein change: p.Val461fs; shifts the reading frame from valine 461.
Molecular consequence: frameshift variant.
Genome position (GRCh38, 1-based): chr7:55,160,222, T deleted. VCF-style (leftmost placement, unchanged base first): chr7-55160221-GT-G. GRCh37 (hg19) VCF-style: chr7-55227914-GT-G.
Other names: c.1247del, p.Val416fs (NM_001346897.2, NM_001346899.2); c.1382del, p.Val461fs (NM_001346898.2, NM_201282.2, NM_201284.2); c.1223del, p.Val408fs (NM_001346900.2); c.581del, p.Val194fs (NM_001346941.2); short protein forms V408fs, V194fs, V461fs, V416fs.
Identifiers: ClinVar variation 3639152 (VCV003639152.2).